The following is an entry in ClinVar:

NM_005560.6(LAMA5):c.501G>A (p.Pro167=)

Genes: LAMA5 (laminin subunit alpha 5; minus strand), LAMA5-AS1 (LAMA5 antisense RNA 1; plus strand). Cytogenetic location: 20q13.33.
Variant type: single nucleotide variant.
Coding change: c.501G>A on transcript NM_005560.6 (MANE Select); coding-DNA position 501, G replaced by A.
Protein change: p.Pro167=; no amino-acid change (proline 167 retained).
Molecular consequence: synonymous variant. On other transcripts: non-coding transcript variant (3).
Genome position (GRCh38, 1-based): chr20:62,353,201, C>T on the plus strand (G>A on the coding strand, the complement: LAMA5 is on the minus strand). VCF-style: chr20-62353201-C-T. GRCh37 (hg19) VCF-style: chr20-60928257-C-T.
Identifiers: ClinVar variation 714830 (VCV000714830.31), dbSNP rs142492516, ClinGen allele CA9944427.
Genomic context (GRCh38, chr20:62,353,201, plus strand): 5'-GAACTGCCAGGGCTGGTAGGTGCGGCCGAAGTCCATGGACCGCTCCAGCACCCAGAGGTC[C>T]GGCCGGGGTGAGTTGGCAAACTTGATGAGGACGTAGGCCACGTGGAAGACCTGTGGGCCG-3'
Protein context (NP_005551.3, residues 157-177): VLIKFANSPR[Pro167=]DLWVLERSMD

ClinVar aggregate classification (germline): Likely benign. Review status: criteria provided, multiple submitters, no conflicts (2 of 4 stars). 4 submissions from 4 submitters: Likely benign (4). Last evaluated 2025-12-29.

Conditions:
LAMA5-related disorder. Also called: LAMA5-Related Disorders; LAMA5-related condition.

Allele frequency attached by ClinVar (database versions not stated): gnomAD exomes 0.00012; ExAC 0.00036; TOPMed 0.00036; gnomAD 0.00039; ESP Exome Variant Server 0.00046; 1000 Genomes Project 0.00080; 1000 Genomes Project 30x 0.00094.
gnomAD v4.1: 208 of 1,587,968 alleles (0.013%); highest among the groups gnomAD compares: African/African-American, 0.089%; 1 homozygote.

Submissions (4):

Labcorp Genetics (formerly Invitae), Labcorp
Classification: Likely benign. Last evaluated: 2025-12-29. Review status: criteria provided, single submitter. Criteria: Invitae Variant Classification Sherloc (09022015). Collection method: clinical testing. Allele origin: germline.

PreventionGenetics, part of Exact Sciences
Classification: Likely benign for LAMA5-related condition. Last evaluated: 2024-12-18. Review status: criteria provided, single submitter. Criteria: ACMG Guidelines, 2015. Collection method: clinical testing. Allele origin: germline.
Comment: This variant is classified as likely benign based on ACMG/AMP sequence variant interpretation guidelines (Richards et al. 2015 PMID: 25741868, with internal and published modifications).

Blueprint Genetics
Classification: Likely benign. Last evaluated: 2024-09-06. Review status: criteria provided, single submitter. Criteria: ACMG Guidelines, 2015. Collection method: clinical testing. Allele origin: germline.

CeGaT Center for Human Genetics Tuebingen
Classification: Likely benign. Last evaluated: 2022-04-01. Review status: criteria provided, single submitter. Criteria: CeGaT Center For Human Genetics Tuebingen Variant Classification Criteria Version 2. Collection method: clinical testing. Allele origin: germline. Affected: yes. Observed: 1 variant allele.
Comment: LAMA5: BP4, BP7